The following is an entry in ClinVar:

NM_000069.3(CACNA1S):c.914T>G (p.Ile305Ser)

Gene: CACNA1S (calcium voltage-gated channel subunit alpha1 S; minus strand). Cytogenetic location: 1q32.1.
Variant type: single nucleotide variant.
Coding change: c.914T>G on transcript NM_000069.3 (MANE Select); coding-DNA position 914, T replaced by G.
Protein change: p.Ile305Ser; replaces isoleucine 305 with serine.
Molecular consequence: missense variant.
Genome position (GRCh38, 1-based): chr1:201,087,916, A>C on the plus strand (T>G on the coding strand, the complement: CACNA1S is on the minus strand). VCF-style: chr1-201087916-A-C. GRCh37 (hg19) VCF-style: chr1-201057044-A-C.
Other names: short protein forms I305S.
Identifiers: ClinVar variation 4791419 (VCV004791419.1).

ClinVar aggregate classification (germline): Uncertain significance (1 of 4 stars; one submission).

Conditions:
Malignant hyperthermia, susceptibility to, 5 (MHS5). Also called: CACNA1S-Related Malignant Hyperthermia Susceptibility. Identifiers: Orphanet 423, MedGen C1866077, MONDO:0011163, OMIM 601887.
Hypokalemic periodic paralysis, type 1. Also called: HypoPP; Hypokalemic Periodic Paralysis Type 1 (AD). Identifiers: Orphanet 681, MedGen C3714580, MONDO:0042979, OMIM 170400.

Submission:

Labcorp Genetics (formerly Invitae), Labcorp
Classification: Uncertain significance for Hypokalemic periodic paralysis, type 1; Malignant hyperthermia, susceptibility to, 5. Last evaluated: 2026-01-27. Review status: criteria provided, single submitter. Criteria: Invitae Variant Classification Sherloc (09022015). Collection method: clinical testing. Allele origin: germline.
Comment: This sequence change replaces isoleucine, which is neutral and non-polar, with serine, which is neutral and polar, at codon 305 of the CACNA1S protein (p.Ile305Ser). This variant is not present in population databases (gnomAD no frequency). This variant has not been reported in the literature in individuals affected with CACNA1S-related conditions. Invitae Evidence Modeling of protein sequence and biophysical properties (such as structural, functional, and spatial information, amino acid conservation, physicochemical variation, residue mobility, and thermodynamic stability) indicates that this missense variant is not expected to disrupt CACNA1S protein function with a negative predictive value of 95%. In summary, the available evidence is currently insufficient to determine the role of this variant in disease. Therefore, it has been classified as a Variant of Uncertain Significance.